The following is an entry in ClinVar:

NM_002240.5(KCNJ6):c.142C>A (p.Arg48=)

Genes: KCNJ6 (potassium inwardly rectifying channel subfamily J member 6; minus strand), KCNJ6-AS1 (KCNJ6 antisense RNA 1; plus strand). Cytogenetic location: 21q22.13.
Variant type: single nucleotide variant.
Coding change: c.142C>A on transcript NM_002240.5 (MANE Select); coding-DNA position 142, C replaced by A.
Protein change: p.Arg48=; no amino-acid change (arginine 48 retained).
Molecular consequence: synonymous variant. On other transcripts: non-coding transcript variant (1).
Genome position (GRCh38, 1-based): chr21:37,715,015, G>T on the plus strand (C>A on the coding strand, the complement: KCNJ6 is on the minus strand). VCF-style: chr21-37715015-G-T. GRCh37 (hg19) VCF-style: chr21-39087318-G-T.
Identifiers: ClinVar variation 4536682 (VCV004536682.3).

ClinVar aggregate classification (germline): Likely benign. Review status: criteria provided, multiple submitters, no conflicts (2 of 4 stars). 3 submissions from 3 submitters: Likely benign (3). Last evaluated 2025-11-14.

gnomAD v4.1: 1 of 1,614,170 alleles (0.000062%); highest among the groups gnomAD compares: African/African-American, 0.0013%; no homozygotes.

Submissions (3):

Women's Health and Genetics/Laboratory Corporation of America, LabCorp
Classification: Likely benign. Last evaluated: 2025-11-14. Review status: criteria provided, single submitter. Criteria: LabCorp Variant Classification Summary - May 2015. Collection method: clinical testing. Allele origin: germline.
Comment: Variant summary: KCNJ6 c.142C>A alters a non-conserved nucleotide resulting in a synonymous change. Consensus agreement among computation tools predict no significant impact on normal splicing. However, these predictions have yet to be confirmed by functional studies. The variant allele was found at a frequency of 4e-06 in 249332 control chromosomes. The available data on variant occurrences in the general population are insufficient to allow any conclusion about variant significance. To our knowledge, no occurrence of c.142C>A in individuals affected with KCNJ6-related conditions and no experimental evidence demonstrating its impact on protein function have been reported. No submitters have cited clinical-significance assessments for this variant to ClinVar. Based on the evidence outlined above, the variant was classified as likely benign.

Labcorp Genetics (formerly Invitae), Labcorp
Classification: Likely benign. Last evaluated: 2025-02-13. Review status: criteria provided, single submitter. Criteria: Invitae Variant Classification Sherloc (09022015). Collection method: clinical testing. Allele origin: germline.

Blueprint Genetics
Classification: Likely benign. Last evaluated: 2020-11-12. Review status: criteria provided, single submitter. Criteria: ACMG Guidelines, 2015. Collection method: clinical testing. Allele origin: germline.